The following is an entry in ClinVar:

ClinVar aggregate classification (germline): Uncertain significance (1 of 4 stars; one submission).

Conditions:
Familial adenomatous polyposis 1 (FAP1). Also called: FAMILIAL ADENOMATOUS POLYPOSIS 1, ATTENUATED; POLYPOSIS, ADENOMATOUS INTESTINAL. Identifiers: MedGen C2713442, MONDO:0021056, OMIM 175100. Disease mechanism: loss of function.

gnomAD v4.1: 6 of 1,359,456 alleles (0.00044%); highest among the groups gnomAD compares: Admixed American, 0.0022%; no homozygotes.

Submission:

Labcorp Genetics (formerly Invitae), Labcorp
Classification: Uncertain significance for Familial adenomatous polyposis 1. Last evaluated: 2026-01-01. Review status: criteria provided, single submitter. Criteria: Invitae Variant Classification Sherloc (09022015). Collection method: clinical testing. Allele origin: germline.
Comment: This variant occurs in a non-coding region of the APC gene. It does not change the encoded amino acid sequence of the APC protein. This variant is not present in population databases (gnomAD no frequency). This variant has not been reported in the literature in individuals affected with APC-related conditions. ClinVar contains an entry for this variant (Variation ID: 469811). Experimental studies and prediction algorithms are not available or were not evaluated, and the functional significance of this variant is currently unknown. In summary, the available evidence is currently insufficient to determine the role of this variant in disease. Therefore, it has been classified as a Variant of Uncertain Significance.

NM_001127511.3(APC):c.-73C>G

Gene: APC (APC regulator of Wnt signaling pathway; plus strand). Cytogenetic location: 5q22.2.
Variant type: single nucleotide variant.
Coding change: c.-73C>G on transcript NM_001127511.3; 73 bases upstream of the start codon, C replaced by G.
Molecular consequence: 5 prime UTR variant. On other transcripts: non-coding transcript variant (2).
Genome position (GRCh38, 1-based): chr5:112,707,645, C>G. VCF-style: chr5-112707645-C-G. GRCh37 (hg19) VCF-style: chr5-112043342-C-G.
Other names: c.-256C>G (NM_001354895.2, NM_001407447.1, NM_001407452.1 and 3 more transcripts); c.-73C>G (NM_001354897.2, NM_001354902.2, NM_001407446.1); c.-23C>G (NM_001407448.1, NM_001407450.1, NM_001407457.1 and 1 more transcripts); c.-47C>G (NM_001407453.1); c.-1291C>G (NM_001407470.1, NM_001407472.1).
Identifiers: ClinVar variation 469811 (VCV000469811.9), dbSNP rs1415610352, ClinGen allele CA658655900.